The following is an entry in ClinVar:

ClinVar aggregate classification (germline): Pathogenic. Review status: criteria provided, multiple submitters, no conflicts (2 of 4 stars). 3 submissions from 3 submitters: Pathogenic (3). Last evaluated 2025-12-31.

Conditions:
Epidermolysis bullosa dystrophica. Also called: Dystrophic epidermolysis bullosa, Hallopeau-Siemens type (formerly); Dystrophic epidermolysis bullosa. Identifiers: Orphanet 303, MedGen C0079294, MONDO:0006543.

Submissions (3):

Natera, Inc.
Classification: Pathogenic for Dystrophic epidermolysis bullosa. Last evaluated: 2025-12-31. Review status: criteria provided, single submitter. Criteria: Natera Variant Classification Schema (03/2026). Collection method: clinical testing. Allele origin: germline.
Comment: The c.2992+2T>G variant in COL7A1 is a canonical splice donor site variant predicted to affect pre-mRNA splicing, which may result in an abnormal transcript and altered protein product. This variant may result in a truncated or dysfunctional protein product. This variant is rare in the general population with a frequency below the threshold expected for the associated phenotype(s). This variant has been observed in one or more individuals affected with the associated recessive disease, as either homozygous or compound heterozygous with a second variant (PMID: 35121199, 34435747). Given the available evidence, this variant is classified as Pathogenic.

Labcorp Genetics (formerly Invitae), Labcorp
Classification: Pathogenic. Last evaluated: 2023-10-09. Review status: criteria provided, single submitter. Criteria: Invitae Variant Classification Sherloc (09022015). Collection method: clinical testing. Allele origin: germline.
Comment: This sequence change affects a donor splice site in intron 22 of the COL7A1 gene. It is expected to disrupt RNA splicing. Variants that disrupt the donor or acceptor splice site typically lead to a loss of protein function (PMID: 16199547), and loss-of-function variants in COL7A1 are known to be pathogenic (PMID: 16971478). This variant is not present in population databases (gnomAD no frequency). Disruption of this splice site has been observed in individual(s) with autosomal recessive epidermolysis bullosa dystrophica (PMID: 22209565, 34435747). ClinVar contains an entry for this variant (Variation ID: 1048002). Algorithms developed to predict the effect of sequence changes on RNA splicing suggest that this variant may disrupt the consensus splice site. For these reasons, this variant has been classified as Pathogenic.

Biomedical Innovation Departament, CIEMAT
Classification: Pathogenic for Dystrophic epidermolysis bullosa. Last evaluated: 2011-08-02. Review status: criteria provided, single submitter. Criteria: ACMG Guidelines, 2015. Collection method: research. Allele origin: germline. Affected: yes. Observed: 2 variant alleles.

Literature cited by the submitters: PubMed 35121199 (cited by Natera, Inc.); PubMed 34435747 (cited by Natera, Inc. and Labcorp Genetics (formerly Invitae), Labcorp); PubMed 16199547 (cited by Labcorp Genetics (formerly Invitae), Labcorp); PubMed 16971478 (cited by Labcorp Genetics (formerly Invitae), Labcorp); PubMed 22209565 (cited by Labcorp Genetics (formerly Invitae), Labcorp); PubMed 29473190 (cited by Biomedical Innovation Departament, CIEMAT).

NM_000094.4(COL7A1):c.2992+2T>G

Gene: COL7A1 (collagen type VII alpha 1 chain; minus strand). Cytogenetic location: 3p21.31.
Variant type: single nucleotide variant.
Coding change: c.2992+2T>G on transcript NM_000094.4 (MANE Select); the canonical splice donor site of the intron after coding-DNA position 2992, T replaced by G.
Molecular consequence: splice donor variant.
Genome position (GRCh38, 1-based): chr3:48,587,418, A>C on the plus strand (T>G on the coding strand, the complement: COL7A1 is on the minus strand). VCF-style: chr3-48587418-A-C. GRCh37 (hg19) VCF-style: chr3-48624851-A-C.
Other names: c.2992+2T>G (NM_000094.3).
Identifiers: ClinVar variation 1048002 (VCV001048002.5), dbSNP rs1575476280, ClinGen allele CA352713639.